The following is an entry in ClinVar:

ClinVar aggregate classification (germline): Likely benign (1 of 4 stars; one submission).

Submission:

CeGaT Center for Human Genetics Tuebingen
Classification: Likely benign. Last evaluated: 2022-03-01. Review status: criteria provided, single submitter. Criteria: CeGaT Center For Human Genetics Tuebingen Variant Classification Criteria Version 2. Collection method: clinical testing. Allele origin: germline. Affected: yes. Observed: 1 variant allele.
Comment: KIF7: BP4, BP7

NM_198525.3(KIF7):c.2238G>C (p.Arg746=)

Gene: KIF7 (kinesin family member 7; minus strand). Cytogenetic location: 15q26.1.
Variant type: single nucleotide variant.
Coding change: c.2238G>C on transcript NM_198525.3 (MANE Select); coding-DNA position 2238, G replaced by C.
Protein change: p.Arg746=; no amino-acid change (arginine 746 retained).
Molecular consequence: synonymous variant.
Genome position (GRCh38, 1-based): chr15:89,642,359, C>G on the plus strand (G>C on the coding strand, the complement: KIF7 is on the minus strand). VCF-style: chr15-89642359-C-G. GRCh37 (hg19) VCF-style: chr15-90185590-C-G.
Identifiers: ClinVar variation 1675586 (VCV001675586.33), dbSNP rs2142017282, ClinGen allele CA492102023.